The following is an entry in ClinVar:

NM_018975.4(TERF2IP):c.307C>A (p.Pro103Thr)

Gene: TERF2IP (TERF2 interacting protein; plus strand). Cytogenetic location: 16q23.1.
Variant type: single nucleotide variant.
Coding change: c.307C>A on transcript NM_018975.4 (MANE Select); coding-DNA position 307, C replaced by A.
Protein change: p.Pro103Thr; replaces proline 103 with threonine.
Molecular consequence: missense variant. On other transcripts: non-coding transcript variant (1).
Genome position (GRCh38, 1-based): chr16:75,648,189, C>A. VCF-style: chr16-75648189-C-A. GRCh37 (hg19) VCF-style: chr16-75682087-C-A.
Other names: short protein forms P103T.
Identifiers: ClinVar variation 1727345 (VCV001727345.3), dbSNP rs760421834, ClinGen allele CA396817637.
Genomic context (GRCh38, chr16:75,648,189, plus strand): 5'-TACATCCTGGACTGCGTGGAGCGCAACGAGAGGCTGGAGCTGGAGGCCTATCGGCTGGGC[C>A]CCGCCTCGGCGGCGGACACCGGCTCGGAAGCAAAGCCCGGGGCCCTGGCCGAGGGCGCCG-3'
Protein context (NP_061848.2, residues 93-113): RLELEAYRLG[Pro103Thr]ASAADTGSEA

ClinVar aggregate classification (germline): Uncertain significance. Review status: criteria provided, multiple submitters, no conflicts (2 of 4 stars). 2 submissions from 2 submitters: Uncertain significance (2). Last evaluated 2025-05-06.

Submissions (2):

Labcorp Genetics (formerly Invitae), Labcorp
Classification: Uncertain significance. Last evaluated: 2025-05-06. Review status: criteria provided, single submitter. Criteria: Invitae Variant Classification Sherloc (09022015). Collection method: clinical testing. Allele origin: germline.
Comment: This sequence change replaces proline, which is neutral and non-polar, with threonine, which is neutral and polar, at codon 103 of the TERF2IP protein (p.Pro103Thr). This variant is not present in population databases (gnomAD no frequency). This variant has not been reported in the literature in individuals affected with TERF2IP-related conditions. ClinVar contains an entry for this variant (Variation ID: 1727345). An algorithm developed to predict the effect of missense changes on protein structure and function (PolyPhen-2) suggests that this variant is likely to be tolerated. In summary, the available evidence is currently insufficient to determine the role of this variant in disease. Therefore, it has been classified as a Variant of Uncertain Significance.

Ambry Genetics
Classification: Uncertain significance. Last evaluated: 2024-02-02. Review status: criteria provided, single submitter. Criteria: Ambry Variant Classification Scheme 2023. Collection method: clinical testing. Allele origin: germline.
Comment: The p.P103T variant (also known as c.307C>A), located in coding exon 1 of the TERF2IP gene, results from a C to A substitution at nucleotide position 307. The proline at codon 103 is replaced by threonine, an amino acid with highly similar properties. This amino acid position is conserved. In addition, this alteration is predicted to be tolerated by in silico analysis. Since supporting evidence is limited at this time, the clinical significance of this alteration remains unclear.